The following is an entry in ClinVar:

ClinVar aggregate classification (germline): Benign (0 of 4 stars; one submission).

Conditions:
EFCAB13-related disorder. Also called: EFCAB13-related condition.

Allele frequency attached by ClinVar (database versions not stated): ESP Exome Variant Server 0.00008; 1000 Genomes Project 30x 0.00234; 1000 Genomes Project 0.00280.
gnomAD v4.1: 922 of 1,607,898 alleles (0.057%); highest among the groups gnomAD compares: East Asian, 1.8%; 8 homozygotes.

Submission:

PreventionGenetics, part of Exact Sciences
Classification: Benign for EFCAB13-related condition. Last evaluated: 2019-08-07. Review status: no assertion criteria provided. Collection method: clinical testing. Allele origin: germline.
Comment: This variant is classified as benign based on ACMG/AMP sequence variant interpretation guidelines (Richards et al. 2015 PMID: 25741868, with internal and published modifications).

NM_152347.5(EFCAB13):c.1831G>A (p.Asp611Asn)

Gene: EFCAB13 (EF-hand calcium binding domain 13; plus strand). Cytogenetic location: 17q21.32.
Variant type: single nucleotide variant.
Coding change: c.1831G>A on transcript NM_152347.5 (MANE Select); coding-DNA position 1831, G replaced by A.
Protein change: p.Asp611Asn; replaces aspartic acid 611 with asparagine.
Molecular consequence: missense variant.
Genome position (GRCh38, 1-based): chr17:47,395,863, G>A. VCF-style: chr17-47395863-G-A. GRCh37 (hg19) VCF-style: chr17-45473229-G-A.
Other names: c.1543G>A, p.Asp515Asn (NM_001195192.2, NM_001426588.1); c.1831G>A, p.Asp611Asn (NM_001426585.1); c.1687G>A, p.Asp563Asn (NM_001426586.1, NM_001426587.1); short protein forms D611N, D515N, D563N.
Identifiers: ClinVar variation 3055697 (VCV003055697.2), dbSNP rs74745378, ClinGen allele CA8624081.
Genomic context (GRCh38, chr17:47,395,863, plus strand): 5'-TCGTAAAACTTGTGTTTTATCTACCCTTTAGTATTGCCTGATGCTATTGAAACCCTCGAC[G>A]ATCTCAGAAAGGAGACGATGAGTGTTTCTGACCTGTGGAATACTCTGTCTAGTTTGAATA-3'
Protein context (NP_689560.3, residues 601-621): VLPDAIETLD[Asp611Asn]LRKETMSVSD